The following is an entry in ClinVar:

ClinVar aggregate classification (germline): Uncertain significance (1 of 4 stars; one submission).

Allele frequency attached by ClinVar (database versions not stated): TOPMed below 0.00001.
gnomAD v4.1: 23 of 1,610,118 alleles (0.0014%); highest among the groups gnomAD compares: Non-Finnish European, 0.0019%; no homozygotes.

Submission:

Labcorp Genetics (formerly Invitae), Labcorp
Classification: Uncertain significance. Last evaluated: 2022-08-09. Review status: criteria provided, single submitter. Criteria: Invitae Variant Classification Sherloc (09022015). Collection method: clinical testing. Allele origin: germline.
Comment: This sequence change replaces arginine, which is basic and polar, with serine, which is neutral and polar, at codon 2022 of the CDH23 protein (p.Arg2022Ser). This variant is not present in population databases (gnomAD no frequency). This variant has not been reported in the literature in individuals affected with CDH23-related conditions. Algorithms developed to predict the effect of missense changes on protein structure and function are either unavailable or do not agree on the potential impact of this missense change (SIFT: "Deleterious"; PolyPhen-2: "Not Available"; Align-GVGD: "Class C35"). Algorithms developed to predict the effect of sequence changes on RNA splicing suggest that this variant may create or strengthen a splice site. In summary, the available evidence is currently insufficient to determine the role of this variant in disease. Therefore, it has been classified as a Variant of Uncertain Significance.

NM_022124.6(CDH23):c.6066G>T (p.Arg2022Ser)

Gene: CDH23 (cadherin related 23; plus strand). Cytogenetic location: 10q22.1.
Variant type: single nucleotide variant.
Coding change: c.6066G>T on transcript NM_022124.6 (MANE Select); coding-DNA position 6066, G replaced by T.
Protein change: p.Arg2022Ser; replaces arginine 2022 with serine.
Molecular consequence: missense variant.
Genome position (GRCh38, 1-based): chr10:71,791,148, G>T. VCF-style: chr10-71791148-G-T. GRCh37 (hg19) VCF-style: chr10-73550905-G-T.
Other names: short protein forms R2022S.
Identifiers: ClinVar variation 1923556 (VCV001923556.2), dbSNP rs1841239737, ClinGen allele CA377152050.